The following is an entry in ClinVar:

ClinVar aggregate classification (germline): Uncertain significance (1 of 4 stars; one submission).

Conditions:
Hereditary cancer-predisposing syndrome. Also called: Neoplastic Syndromes, Hereditary; Tumor predisposition; Hereditary Cancer Syndrome; Hereditary neoplastic syndrome. Identifiers: Orphanet 140162, MedGen C0027672, MeSH D009386, MONDO:0015356.

Submission:

Ambry Genetics
Classification: Uncertain significance for Hereditary cancer-predisposing syndrome. Last evaluated: 2020-11-20. Review status: criteria provided, single submitter. Criteria: Ambry Variant Classification Scheme 2023. Collection method: clinical testing. Allele origin: germline.
Comment: The p.Q227R variant (also known as c.680A>G), located in coding exon 6 of the BRIP1 gene, results from an A to G substitution at nucleotide position 680. The glutamine at codon 227 is replaced by arginine, an amino acid with highly similar properties. This amino acid position is not well conserved in available vertebrate species. In addition, this alteration is predicted to be tolerated by in silico analysis. Since supporting evidence is limited at this time, the clinical significance of this alteration remains unclear.

NM_032043.3(BRIP1):c.680A>G (p.Gln227Arg)

Gene: BRIP1 (BRCA1 interacting DNA helicase 1; minus strand). Cytogenetic location: 17q23.2.
Variant type: single nucleotide variant.
Coding change: c.680A>G on transcript NM_032043.3 (MANE Select); coding-DNA position 680, A replaced by G.
Protein change: p.Gln227Arg; replaces glutamine 227 with arginine.
Molecular consequence: missense variant.
Genome position (GRCh38, 1-based): chr17:61,808,705, T>C on the plus strand (A>G on the coding strand, the complement: BRIP1 is on the minus strand). VCF-style: chr17-61808705-T-C. GRCh37 (hg19) VCF-style: chr17-59886066-T-C.
Other names: short protein forms Q227R.
Identifiers: ClinVar variation 1755558 (VCV001755558.2), dbSNP rs2145421454, ClinGen allele CA400485142.
Genomic context (GRCh38, chr17:61,808,705, plus strand): 5'-TATATTTTGGGTATCTTGGATTTCCCTGTATGATCCTTCTTAATGGTATTCGATGACTCT[T>C]GACTGTTTCCTTGTTTAGTAGAACAACAGCACCTAGAACAGTGGCCAGGGGGCTGTAAGA-3'
Protein context (NP_114432.2, residues 217-237): CCCSTKQGNS[Gln227Arg]ESSNTIKKDH